The following is an entry in ClinVar:

NM_000642.3(AGL):c.1389G>A (p.Met463Ile)

Gene: AGL (amylo-alpha-1,6-glucosidase and 4-alpha-glucanotransferase; plus strand). Cytogenetic location: 1p21.2.
Variant type: single nucleotide variant.
Coding change: c.1389G>A on transcript NM_000642.3 (MANE Select); coding-DNA position 1389, G replaced by A.
Protein change: p.Met463Ile; replaces methionine 463 with isoleucine.
Molecular consequence: missense variant.
Genome position (GRCh38, 1-based): chr1:99,876,563, G>A. VCF-style: chr1-99876563-G-A. GRCh37 (hg19) VCF-style: chr1-100342119-G-A.
Other names: c.1389G>A, p.Met463Ile (NM_000644.3, NM_001425325.1, NM_001425326.1 and 2 more transcripts); c.1341G>A, p.Met447Ile (NM_000646.3); c.1188G>A, p.Met396Ile (NM_001425327.1); c.1185G>A, p.Met395Ile (NM_001425328.1, NM_001425329.1); c.1011G>A, p.Met337Ile (NM_001425332.1); short protein forms M447I, M463I, M337I, M395I, M396I.
Identifiers: ClinVar variation 1428011 (VCV001428011.4), dbSNP rs749084039, ClinGen allele CA966472.
Genomic context (GRCh38, chr1:99,876,563, plus strand): 5'-ATCTATGATTCATCTGCCAAATAAAGCTTGTTTTCTGATGGCACACAATGGATGGGTAAT[G>A]GGAGATGATCCTCTTCGAAACTTTGCTGAACCGGGTATGTAATTTTTAACTTCTCTGTGG-3'
Protein context (NP_000633.2, residues 453-473): CFLMAHNGWV[Met463Ile]GDDPLRNFAE

ClinVar aggregate classification (germline): Uncertain significance (1 of 4 stars; one submission).

Conditions:
Glycogen storage disease type III (GSD3). Also called: FORBES DISEASE; Cori disease. Identifiers: Orphanet 366, MedGen C0017922, MONDO:0009291, OMIM 232400.

Allele frequency attached by ClinVar (database versions not stated): ExAC 0.00001; gnomAD 0.00001; gnomAD exomes 0.00001; TOPMed 0.00001.
gnomAD v4.1: 12 of 1,613,886 alleles (0.00074%); highest among the groups gnomAD compares: South Asian, 0.012%; no homozygotes.

Submission:

Labcorp Genetics (formerly Invitae), Labcorp
Classification: Uncertain significance for Glycogen storage disease type III. Last evaluated: 2025-10-18. Review status: criteria provided, single submitter. Criteria: Invitae Variant Classification Sherloc (09022015). Collection method: clinical testing. Allele origin: germline.
Comment: This sequence change replaces methionine, which is neutral and non-polar, with isoleucine, which is neutral and non-polar, at codon 463 of the AGL protein (p.Met463Ile). This variant is present in population databases (rs749084039, gnomAD 0.006%). This variant has not been reported in the literature in individuals affected with AGL-related conditions. ClinVar contains an entry for this variant (Variation ID: 1428011). Invitae Evidence Modeling of protein sequence and biophysical properties (such as structural, functional, and spatial information, amino acid conservation, physicochemical variation, residue mobility, and thermodynamic stability) indicates that this missense variant is not expected to disrupt AGL protein function with a negative predictive value of 80%. In summary, the available evidence is currently insufficient to determine the role of this variant in disease. Therefore, it has been classified as a Variant of Uncertain Significance.